The following is an entry in ClinVar:

ClinVar aggregate classification (germline): Uncertain significance (1 of 4 stars; one submission).

Conditions:
Gorlin syndrome. Also called: Nevoid Basal Cell Carcinoma Syndrome; Basal cell nevus syndrome. Identifiers: Orphanet 377, MedGen C0004779, MONDO:0007187.

Submission:

Labcorp Genetics (formerly Invitae), Labcorp
Classification: Uncertain significance for Gorlin syndrome. Last evaluated: 2021-03-17. Review status: criteria provided, single submitter. Criteria: Invitae Variant Classification Sherloc (09022015). Collection method: clinical testing. Allele origin: germline.
Comment: In summary, the available evidence is currently insufficient to determine the role of this variant in disease. Therefore, it has been classified as a Variant of Uncertain Significance. This variant has not been reported in the literature in individuals with PTCH2-related conditions. This variant is not present in population databases (ExAC no frequency). This sequence change creates a premature translational stop signal (p.Phe1004Trpfs*27) in the PTCH2 gene. It is expected to result in an absent or disrupted protein product. However, the current clinical and genetic evidence is not sufficient to establish whether loss-of-function variants in PTCH2 cause disease.

NM_003738.5(PTCH2):c.3011_3012del (p.Phe1004fs)

Gene: PTCH2 (patched 2; minus strand). Cytogenetic location: 1p34.1.
Variant type: Deletion.
Coding change: c.3011_3012del on transcript NM_003738.5 (MANE Select); coding-DNA positions 3011 to 3012, 2 bases deleted (TT; older notation c.3011_3012delTT).
Protein change: p.Phe1004fs; shifts the reading frame from phenylalanine 1004.
Molecular consequence: frameshift variant.
Genome position (GRCh38, 1-based): chr1:44,826,352-44,826,353, AA deleted on the plus strand (TT on the coding strand, the reverse complement: PTCH2 is on the minus strand); deleting any 2 consecutive bases within chr1:44,826,352-44,826,354 gives the same sequence; the c. name uses the placement nearest the transcript's 3' end. VCF-style (leftmost placement, unchanged base first): chr1-44826351-CAA-C. GRCh37 (hg19) VCF-style: chr1-45292023-CAA-C.
Other names: c.3011_3012del, p.Phe1004fs (NM_001166292.2); short protein forms F1004fs.
Identifiers: ClinVar variation 1484098 (VCV001484098.6), dbSNP rs2148873780, ClinGen allele CA2573132342.